The following is an entry in ClinVar:

ClinVar aggregate classification (germline): Uncertain significance. Review status: criteria provided, multiple submitters, no conflicts (2 of 4 stars). 2 submissions from 2 submitters: Uncertain significance (2). Last evaluated 2026-01-05.

Conditions:
Temtamy preaxial brachydactyly syndrome (TPBS). Identifiers: Orphanet 363417, MedGen C1854466, MONDO:0011533, OMIM 605282.

Submissions (2):

Labcorp Genetics (formerly Invitae), Labcorp
Classification: Uncertain significance for Temtamy preaxial brachydactyly syndrome. Last evaluated: 2026-01-05. Review status: criteria provided, single submitter. Criteria: Invitae Variant Classification Sherloc (09022015). Collection method: clinical testing. Allele origin: germline.
Comment: This sequence change replaces isoleucine, which is neutral and non-polar, with threonine, which is neutral and polar, at codon 324 of the CHSY1 protein (p.Ile324Thr). This variant is not present in population databases (gnomAD no frequency). This variant has not been reported in the literature in individuals affected with CHSY1-related conditions. ClinVar contains an entry for this variant (Variation ID: 804697). Invitae Evidence Modeling of protein sequence and biophysical properties (such as structural, functional, and spatial information, amino acid conservation, physicochemical variation, residue mobility, and thermodynamic stability) indicates that this missense variant is expected to disrupt CHSY1 protein function with a positive predictive value of 80%. In summary, the available evidence is currently insufficient to determine the role of this variant in disease. Therefore, it has been classified as a Variant of Uncertain Significance.

Athena Diagnostics
Classification: Uncertain significance. Last evaluated: 2018-12-27. Review status: criteria provided, single submitter. Criteria: Athena Diagnostics Criteria. Collection method: clinical testing. Allele origin: germline.

NM_014918.5(CHSY1):c.971T>C (p.Ile324Thr)

Gene: CHSY1 (chondroitin sulfate synthase 1; minus strand). Cytogenetic location: 15q26.3.
Variant type: single nucleotide variant.
Coding change: c.971T>C on transcript NM_014918.5 (MANE Select); coding-DNA position 971, T replaced by C.
Protein change: p.Ile324Thr; replaces isoleucine 324 with threonine.
Molecular consequence: missense variant.
Genome position (GRCh38, 1-based): chr15:101,178,826, A>G on the plus strand (T>C on the coding strand, the complement: CHSY1 is on the minus strand). VCF-style: chr15-101178826-A-G. GRCh37 (hg19) VCF-style: chr15-101719031-A-G.
Other names: short protein forms I324T.
Identifiers: ClinVar variation 804697 (VCV000804697.5), dbSNP rs1596419735, ClinGen allele CA393963431.
Genomic context (GRCh38, chr15:101,178,826, plus strand): 5'-TATTTGCTCATCAGGACAATTTCGCGGTGCAGCTGTATTGTGCGATGGCGGAGCTCGGAT[A>G]TCTTGCGGCTCAGCATGTAGCTGTGGAGCCTGTACTGGTAGGGTGGGTTTTTGTTGGGGT-3'
Protein context (NP_055733.2, residues 314-334): RLHSYMLSRK[Ile324Thr]SELRHRTIQL